The following is an entry in ClinVar:

NM_001170535.3(ATAD3A):c.792C>T (p.Ala264=)

Gene: ATAD3A (ATPase family AAA domain containing 3A; plus strand). Cytogenetic location: 1p36.33.
Variant type: single nucleotide variant.
Coding change: c.792C>T on transcript NM_001170535.3 (MANE Select); coding-DNA position 792, C replaced by T.
Protein change: p.Ala264=; no amino-acid change (alanine 264 retained).
Molecular consequence: synonymous variant.
Genome position (GRCh38, 1-based): chr1:1,522,785, C>T. VCF-style: chr1-1522785-C-T. GRCh37 (hg19) VCF-style: chr1-1458165-C-T.
Other names: c.555C>T, p.Ala185= (NM_001170536.3); c.936C>T, p.Ala312= (NM_018188.5).
Identifiers: ClinVar variation 1176493 (VCV001176493.37), dbSNP rs142477467, ClinGen allele CA525984.

ClinVar aggregate classification (germline): Likely benign. Review status: criteria provided, multiple submitters, no conflicts (2 of 4 stars). 3 submissions from 3 submitters: Likely benign (3). Last evaluated 2026-05-01.

Allele frequency attached by ClinVar (database versions not stated): ESP Exome Variant Server 0.00069.
gnomAD v4.1: 935 of 1,611,554 alleles (0.058%); highest among the groups gnomAD compares: Middle Eastern, 1.1%; 5 homozygotes.

Submissions (3):

CeGaT Center for Human Genetics Tuebingen
Classification: Likely benign. Last evaluated: 2026-05-01. Review status: criteria provided, single submitter. Criteria: CeGaT Center For Human Genetics Tuebingen Variant Classification Criteria Version 2. Collection method: clinical testing. Allele origin: germline. Affected: yes. Observed: 5 variant alleles.
Comment: ATAD3A: BP4, BP7

Blueprint Genetics
Classification: Likely benign. Last evaluated: 2024-11-25. Review status: criteria provided, single submitter. Criteria: ACMG Guidelines, 2015. Collection method: clinical testing. Allele origin: germline.

Breakthrough Genomics
Classification: Likely benign. Review status: criteria provided, single submitter. Criteria: ACMG Guidelines, 2015. Collection method: not provided. Allele origin: germline. Inheritance: Autosomal recessive inheritance. Affected: yes.